The following is an entry in ClinVar:

NM_152384.3(BBS5):c.875C>G (p.Ser292Cys)

Gene: BBS5 (Bardet-Biedl syndrome 5; plus strand). Cytogenetic location: 2q31.1.
Variant type: single nucleotide variant.
Coding change: c.875C>G on transcript NM_152384.3 (MANE Select); coding-DNA position 875, C replaced by G.
Protein change: p.Ser292Cys; replaces serine 292 with cysteine.
Molecular consequence: missense variant.
Genome position (GRCh38, 1-based): chr2:169,503,153, C>G. VCF-style: chr2-169503153-C-G. GRCh37 (hg19) VCF-style: chr2-170359663-C-G.
Other names: short protein forms S292C.
Identifiers: ClinVar variation 1365973 (VCV001365973.6), dbSNP rs2105303568, ClinGen allele CA349168842.

ClinVar aggregate classification (germline): Uncertain significance (1 of 4 stars; one submission).

Conditions:
Bardet-Biedl syndrome (BBS). Identifiers: Orphanet 110, MedGen C0752166, MONDO:0015229.

Allele frequency attached by ClinVar (database versions not stated): gnomAD exomes below 0.00001.
gnomAD v4.1: 1 of 1,613,776 alleles (0.000062%); highest among the groups gnomAD compares: Admixed American, 0.0017%; no homozygotes.

Submission:

Labcorp Genetics (formerly Invitae), Labcorp
Classification: Uncertain significance for Bardet-Biedl syndrome. Last evaluated: 2021-09-06. Review status: criteria provided, single submitter. Criteria: Invitae Variant Classification Sherloc (09022015). Collection method: clinical testing. Allele origin: germline.
Comment: In summary, the available evidence is currently insufficient to determine the role of this variant in disease. Therefore, it has been classified as a Variant of Uncertain Significance. Algorithms developed to predict the effect of missense changes on protein structure and function (SIFT, PolyPhen-2, Align-GVGD) all suggest that this variant is likely to be tolerated. This variant has not been reported in the literature in individuals affected with BBS5-related conditions. This variant is not present in population databases (ExAC no frequency). This sequence change replaces serine with cysteine at codon 292 of the BBS5 protein (p.Ser292Cys). The serine residue is moderately conserved and there is a moderate physicochemical difference between serine and cysteine.